The following is an entry in ClinVar:

NC_012920.1(MT-ND5):m.12923G>T

Gene: MT-ND5 (mitochondrially encoded NADH dehydrogenase 5; plus strand).
Variant type: single nucleotide variant.
Genome position: chrM-12923-G-T.
Identifiers: ClinVar variation 693500 (VCV000693500.1), dbSNP rs1603223971, ClinGen allele CA414815511.

ClinVar aggregate classification (germline): Benign (1 of 4 stars; one submission).

Conditions:
Leigh syndrome (NULS). Also called: Leigh's necrotizing encephalopathy; Leigh's disease; Leigh Syndrome (mtDNA deletion); Leigh Disease; Subacute necrotizing encephalopathy; Necrotizing encephalopathy infantile subacute of Leigh. Identifiers: Orphanet 506, MedGen C2931891, MONDO:0009723, OMIM 256000.

Submission:

Wong Mito Lab, Molecular and Human Genetics, Baylor College of Medicine
Classification: Benign for Leigh syndrome. Last evaluated: 2019-10-17. Review status: criteria provided, single submitter. Criteria: Modified ACMG Guidelines (Unpublished). Collection method: clinical testing. Allele origin: germline.
Comment: The NC_012920.1:m.12923G>T (YP_003024036.1:p.Trp196Leu) variant in MTND5 gene is interpretated to be a Benign variant based on the modified ACMG guidelines (unpublished). This variant meets the following evidence codes: BS1, BS2